The following is an entry in ClinVar:

ClinVar aggregate classification (germline): Uncertain significance (1 of 4 stars; one submission).

Conditions:
Malignant hyperthermia, susceptibility to, 5 (MHS5). Also called: CACNA1S-Related Malignant Hyperthermia Susceptibility. Identifiers: Orphanet 423, MedGen C1866077, MONDO:0011163, OMIM 601887.

Allele frequency attached by ClinVar (database versions not stated): ESP Exome Variant Server 0.00008.
gnomAD v4.1: 2 of 1,614,030 alleles (0.00012%); highest among the groups gnomAD compares: African/African-American, 0.0027%; no homozygotes.

Submission:

All of Us Research Program, National Institutes of Health
Classification: Uncertain significance for Malignant hyperthermia, susceptibility to, 5. Last evaluated: 2023-12-01. Review status: criteria provided, single submitter. Criteria: ACMG Guidelines, 2015. Collection method: clinical testing. Allele origin: germline. Inheritance: Autosomal dominant inheritance. Observed: 1 variant allele, 1 heterozygote.
Comment: This study involves interpretation of variants in research participants for the purpose of population health screening. Participant phenotype was not available at the time of variant classification. Additional details can be found in publication PMID: 35346344, PMCID: PMC8962531

NM_000069.3(CACNA1S):c.159C>G (p.Phe53Leu)

Gene: CACNA1S (calcium voltage-gated channel subunit alpha1 S; minus strand). Cytogenetic location: 1q32.1.
Variant type: single nucleotide variant.
Coding change: c.159C>G on transcript NM_000069.3 (MANE Select); coding-DNA position 159, C replaced by G.
Protein change: p.Phe53Leu; replaces phenylalanine 53 with leucine.
Molecular consequence: missense variant.
Genome position (GRCh38, 1-based): chr1:201,110,263, G>C on the plus strand (C>G on the coding strand, the complement: CACNA1S is on the minus strand). VCF-style: chr1-201110263-G-C. GRCh37 (hg19) VCF-style: chr1-201079391-G-C.
Other names: short protein forms F53L.
Identifiers: ClinVar variation 3074676 (VCV003074676.1), dbSNP rs199720439, ClinGen allele CA078432.